The following is an entry in ClinVar:

ClinVar aggregate classification (germline): Conflicting classifications of pathogenicity. Review status: criteria provided, conflicting classifications (1 of 4 stars). 2 submissions from 2 submitters: Uncertain significance (1); Likely benign (1). Last evaluated 2026-04-09.

Conditions:
Charcot-Marie-Tooth disease type 2. Also called: Charcot-Marie-Tooth type 2. Identifiers: Orphanet 64746, MedGen C0270914, MONDO:0018993.

Allele frequency attached by ClinVar (database versions not stated): ExAC 0.00002; gnomAD exomes below 0.00001 and 0.00002; TOPMed 0.00001.
gnomAD v4.1: 6 of 1,591,512 alleles (0.00038%); highest among the groups gnomAD compares: Admixed American, 0.0068%; no homozygotes.

Submissions (2):

GeneDx
Classification: Uncertain significance. Last evaluated: 2026-04-09. Review status: criteria provided, single submitter. Criteria: GeneDx Variant Classification Process June 2021. Collection method: clinical testing. Allele origin: germline.
Comment: In silico analysis suggests that this variant does not alter splicing; Has not been previously published as pathogenic or benign to our knowledge

Labcorp Genetics (formerly Invitae), Labcorp
Classification: Likely benign for Charcot-Marie-Tooth disease type 2. Last evaluated: 2025-11-18. Review status: criteria provided, single submitter. Criteria: Invitae Variant Classification Sherloc (09022015). Collection method: clinical testing. Allele origin: germline.

NM_002047.4(GARS1):c.12G>A (p.Pro4=)

Gene: GARS1 (glycyl-tRNA synthetase 1; plus strand). Cytogenetic location: 7p14.3.
Variant type: single nucleotide variant.
Coding change: c.12G>A on transcript NM_002047.4 (MANE Select); coding-DNA position 12, G replaced by A.
Protein change: p.Pro4=; no amino-acid change (proline 4 retained).
Molecular consequence: synonymous variant. On other transcripts: 5 prime UTR variant (1).
Genome position (GRCh38, 1-based): chr7:30,594,933, G>A. VCF-style: chr7-30594933-G-A. GRCh37 (hg19) VCF-style: chr7-30634549-G-A.
Other names: c.-151G>A (NM_001316772.1); c.12G>A (NM_002047.2).
Identifiers: ClinVar variation 1155271 (VCV001155271.10), dbSNP rs775650014, ClinGen allele CA4205560.